The following is an entry in ClinVar:

ClinVar aggregate classification (germline): Uncertain significance. Review status: criteria provided, multiple submitters, no conflicts (2 of 4 stars). 2 submissions from 2 submitters: Uncertain significance (2). Last evaluated 2025-11-19.

Conditions:
Inborn genetic diseases. Identifiers: MedGen C0950123, MeSH D030342.
VPS13B-related disorder. Also called: VPS13B-related condition.

gnomAD v4.1: 40 of 1,613,984 alleles (0.0025%); highest among the groups gnomAD compares: Admixed American, 0.03%; no homozygotes.

Submissions (2):

PreventionGenetics, part of Exact Sciences
Classification: Uncertain significance for VPS13B-related condition. Last evaluated: 2025-11-19. Review status: criteria provided, single submitter. Criteria: ACMG Guidelines, 2015. Collection method: clinical testing. Allele origin: germline.
Comment: The VPS13B c.11707G>C variant is predicted to result in the amino acid substitution p.Val3903Leu. To our knowledge, this variant has not been reported in the literature. This variant is reported in 21 alleles out of 282822 total alleles in gnomAD. Although we suspect that this variant may be benign, at this time, the clinical significance of this variant is uncertain due to the absence of conclusive functional and genetic evidence.

Ambry Genetics
Classification: Uncertain significance for Inborn genetic diseases. Last evaluated: 2024-05-20. Review status: criteria provided, single submitter. Criteria: Ambry Variant Classification Scheme 2023. Collection method: clinical testing. Allele origin: germline.

NM_152564.5(VPS13B):c.11707G>C (p.Val3903Leu)

Gene: VPS13B (vacuolar protein sorting 13 homolog B; plus strand). Cytogenetic location: 8q22.2.
Variant type: single nucleotide variant.
Coding change: c.11707G>C on transcript NM_152564.5 (MANE Select); coding-DNA position 11707, G replaced by C.
Protein change: p.Val3903Leu; replaces valine 3903 with leucine.
Molecular consequence: missense variant.
Genome position (GRCh38, 1-based): chr8:99,871,659, G>C. VCF-style: chr8-99871659-G-C. GRCh37 (hg19) VCF-style: chr8-100883887-G-C.
Other names: c.11782G>C, p.Val3928Leu (NM_017890.5); short protein forms V3903L, V3928L.
Identifiers: ClinVar variation 3332167 (VCV003332167.3).